The following is an entry in ClinVar:

ClinVar aggregate classification (germline): Uncertain significance (1 of 4 stars; one submission).

Conditions:
Bethlem myopathy 1A. Also called: Bethlem myopathy 1; MYOPATHY, BENIGN CONGENITAL, WITH CONTRACTURES; Bethlem Muscular Dystrophy. Identifiers: Orphanet 610, MedGen CN029274, MONDO:0024530, OMIM 158810.

Submission:

Labcorp Genetics (formerly Invitae), Labcorp
Classification: Uncertain significance for Bethlem myopathy 1A. Last evaluated: 2022-11-03. Review status: criteria provided, single submitter. Criteria: Invitae Variant Classification Sherloc (09022015). Collection method: clinical testing. Allele origin: germline.
Comment: In summary, the available evidence is currently insufficient to determine the role of this variant in disease. Therefore, it has been classified as a Variant of Uncertain Significance. Advanced modeling of protein sequence and biophysical properties (such as structural, functional, and spatial information, amino acid conservation, physicochemical variation, residue mobility, and thermodynamic stability) performed at Invitae indicates that this missense variant is not expected to disrupt COL6A2 protein function. This variant has not been reported in the literature in individuals affected with COL6A2-related conditions. This variant is not present in population databases (gnomAD no frequency). This sequence change replaces methionine, which is neutral and non-polar, with isoleucine, which is neutral and non-polar, at codon 762 of the COL6A2 protein (p.Met762Ile).

NM_001849.4(COL6A2):c.2286G>A (p.Met762Ile)

Gene: COL6A2 (collagen type VI alpha 2 chain; plus strand). Cytogenetic location: 21q22.3.
Variant type: single nucleotide variant.
Coding change: c.2286G>A on transcript NM_001849.4 (MANE Select); coding-DNA position 2286, G replaced by A.
Protein change: p.Met762Ile; replaces methionine 762 with isoleucine.
Molecular consequence: missense variant.
Genome position (GRCh38, 1-based): chr21:46,126,101, G>A. VCF-style: chr21-46126101-G-A. GRCh37 (hg19) VCF-style: chr21-47546015-G-A.
Other names: c.2286G>A, p.Met762Ile (NM_058174.3, NM_058175.3); short protein forms M762I.
Identifiers: ClinVar variation 2811340 (VCV002811340.3), dbSNP rs2517018430, ClinGen allele CA410542409.